The following is an entry in ClinVar:

NM_153717.3(EVC):c.52del (p.Arg18fs)

Gene: EVC (EvC ciliary complex subunit 1; plus strand). Cytogenetic location: 4p16.2.
Variant type: Deletion.
Coding change: c.52del on transcript NM_153717.3 (MANE Select); coding-DNA position 52, one base deleted (C; older notation c.52delC).
Protein change: p.Arg18fs; shifts the reading frame from arginine 18.
Molecular consequence: frameshift variant.
Genome position (GRCh38, 1-based): chr4:5,711,432, C deleted. VCF-style (leftmost placement, unchanged base first): chr4-5711431-GC-G. GRCh37 (hg19) VCF-style: chr4-5713158-GC-G.
Other names: c.52del, p.Arg18fs (NM_001306090.2, NM_001306092.2); short protein forms R18fs.
Identifiers: ClinVar variation 4816942 (VCV004816942.1).

ClinVar aggregate classification (germline): Likely pathogenic (1 of 4 stars; one submission).

Conditions:
Ellis-van Creveld syndrome (EVC). Also called: Chondroectodermal dysplasia; EVC-Related Ellis-van Creveld Syndrome; EVC2-Related Ellis-van Creveld Syndrome; MESOECTODERMAL DYSPLASIA. Identifiers: Orphanet 289, MedGen C0013903, MONDO:0009162, OMIM 225500.

Submission:

Natera, Inc.
Classification: Likely pathogenic for Ellis-van Creveld syndrome. Last evaluated: 2024-10-21. Review status: criteria provided, single submitter. Criteria: Natera Variant Classification Schema (03/2026). Collection method: clinical testing. Allele origin: germline.
Comment: The c.52del variant in EVC is a frameshift variant predicted to shift the reading frame beginning at codon 18 and leads to a stop codon 98 codons downstream. This variant is expected to result in nonsense mediated decay, truncation, or a dysfunctional protein product. This variant is rare in the general population with a frequency below the threshold expected for the associated phenotype(s). Given the available evidence, this variant is classified as Likely Pathogenic.